The following is an entry in ClinVar:

NM_000455.5(STK11):c.464+4C>A

Gene: STK11 (serine/threonine kinase 11; plus strand). Cytogenetic location: 19p13.3.
Variant type: single nucleotide variant.
Coding change: c.464+4C>A on transcript NM_000455.5 (MANE Select); 4 bases into the intron after coding-DNA position 464, C replaced by A.
Molecular consequence: intron variant.
Genome position (GRCh38, 1-based): chr19:1,219,417, C>A. VCF-style: chr19-1219417-C-A. GRCh37 (hg19) VCF-style: chr19-1219416-C-A.
Identifiers: ClinVar variation 864830 (VCV000864830.9), dbSNP rs373167735, ClinGen allele CA916081944.
Genomic context (GRCh38, chr19:1,219,417, plus strand): 5'-GCAGGAAATGCTGGACAGCGTGCCGGAGAAGCGTTTCCCAGTGTGCCAGGCCCACGGGTG[C>A]GTGCGCGGGGCAGGGGCCAGGGTGGGGCGGGGGCCGGGGGCCAGGCAGGGCAGGCTCCTT-3'

ClinVar aggregate classification (germline): Uncertain significance (1 of 4 stars; one submission).

Conditions:
Peutz-Jeghers syndrome (PJS). Also called: POLYPOSIS, HAMARTOMATOUS INTESTINAL; POLYPS-AND-SPOTS SYNDROME; Peutz-Jeghers polyposis; Periorificial lentiginosis syndrome. Identifiers: Orphanet 2869, MedGen C0031269, MeSH D010580, MONDO:0008280, OMIM 175200.

gnomAD v4.1: 1 of 1,026,004 alleles (0.000097%); highest among the groups gnomAD compares: Non-Finnish European, 0.00014%; no homozygotes.

Submission:

Labcorp Genetics (formerly Invitae), Labcorp
Classification: Uncertain significance for Peutz-Jeghers syndrome. Last evaluated: 2019-04-14. Review status: criteria provided, single submitter. Criteria: Invitae Variant Classification Sherloc (09022015). Collection method: clinical testing. Allele origin: germline.
Comment: This sequence change falls in intron 3 of the STK11 gene. It does not directly change the encoded amino acid sequence of the STK11 protein, but it affects a nucleotide within the consensus splice site of the intron. This variant is not present in population databases (ExAC no frequency). This variant has not been reported in the literature in individuals with STK11-related conditions. Nucleotide substitutions within the consensus splice site are a relatively common cause of aberrant splicing (PMID: 17576681, 9536098). Algorithms developed to predict the effect of sequence changes on RNA splicing suggest that this variant may create or strengthen a splice site, but this prediction has not been confirmed by published transcriptional studies. In summary, the available evidence is currently insufficient to determine the role of this variant in disease. Therefore, it has been classified as a Variant of Uncertain Significance.

Literature cited by the submitters: PubMed 17576681; PubMed 9536098.